The following is an entry in ClinVar:

ClinVar aggregate classification (germline): Pathogenic. Review status: criteria provided, multiple submitters, no conflicts (2 of 4 stars). 3 submissions from 3 submitters: Pathogenic (2). 1 of the submissions does not count toward it. Last evaluated 2021-05-08.

Conditions:
Retinitis pigmentosa (RP). Identifiers: Orphanet 791, MedGen C0035334, MeSH D012174, MONDO:0019200, OMIM 268000. Inheritance: Autosomal dominant, autosomal recessive and X linked inheritance.
Retinal dystrophy. Also called: Inherited retinal dystrophy. Identifiers: Orphanet 71862, MedGen C0854723, MeSH D058499, MONDO:0019118, HP:0000556.

Submissions (3):

Labcorp Genetics (formerly Invitae), Labcorp
Classification: Pathogenic. Last evaluated: 2021-05-08. Review status: criteria provided, single submitter. Criteria: Invitae Variant Classification Sherloc (09022015). Collection method: clinical testing. Allele origin: germline.
Comment: Algorithms developed to predict the effect of sequence changes on RNA splicing suggest that this variant may disrupt the consensus splice site, but this prediction has not been confirmed by published transcriptional studies. This variant has been observed in individual(s) with retinitis pigmentosa (PMID: 3071870, Invitae). ClinVar contains an entry for this variant (Variation ID: 636067). This variant is not present in population databases (ExAC no frequency). This sequence change affects an acceptor splice site in intron 5 of the PRPF31 gene. It is expected to disrupt RNA splicing. Variants that disrupt the donor or acceptor splice site typically lead to a loss of protein function (PMID: 16199547), and loss-of-function variants in PRPF31 are known to be pathogenic (PMID: 18317597, 23950152). For these reasons, this variant has been classified as Pathogenic.

Institute of Human Genetics, Univ. Regensburg, Univ. Regensburg
Classification: Pathogenic for Retinal dystrophy. Last evaluated: 2020-01-01. Review status: criteria provided, single submitter. Criteria: ACMG Guidelines, 2015. Collection method: clinical testing. Allele origin: germline. Affected: yes.

Department of Clinical Genetics, Copenhagen University Hospital, Rigshospitalet
Classification: Likely pathogenic for Retinitis pigmentosa. Last evaluated: 2018-04-01. Review status: no assertion criteria provided. Collection method: research. Allele origin: unknown. Affected: yes. Study: VeluxRD. Not counted in ClinVar's aggregate classification.

Literature cited by the submitters: PubMed 3071870 (cited by Labcorp Genetics (formerly Invitae), Labcorp); PubMed 16199547 (cited by Labcorp Genetics (formerly Invitae), Labcorp); PubMed 18317597 (cited by Labcorp Genetics (formerly Invitae), Labcorp); PubMed 23950152 (cited by Labcorp Genetics (formerly Invitae), Labcorp); PubMed 30718709 (cited by Institute of Human Genetics, Univ. Regensburg, Univ. Regensburg and Department of Clinical Genetics, Copenhagen University Hospital, Rigshospitalet).

NM_015629.4(PRPF31):c.421-2A>G

Gene: PRPF31 (pre-mRNA processing factor 31; plus strand). Cytogenetic location: 19q13.42.
Variant type: single nucleotide variant.
Coding change: c.421-2A>G on transcript NM_015629.4 (MANE Select); the canonical splice acceptor site of the intron before coding-DNA position 421, A replaced by G.
Molecular consequence: splice acceptor variant.
Genome position (GRCh38, 1-based): chr19:54,123,452, A>G. VCF-style: chr19-54123452-A-G. GRCh37 (hg19) VCF-style: chr19-54626831-A-G.
Identifiers: ClinVar variation 636067 (VCV000636067.9), dbSNP rs1600340117, ClinGen allele CA407750164.